The following is an entry in ClinVar:

ClinVar aggregate classification (germline): Benign/Likely benign. Review status: criteria provided, multiple submitters, no conflicts (2 of 4 stars). 3 submissions from 3 submitters: Benign (1); Likely benign (2). Last evaluated 2025-08-09.

Conditions:
Hereditary cancer-predisposing syndrome. Also called: Hereditary neoplastic syndrome; Neoplastic Syndromes, Hereditary; Tumor predisposition; Hereditary Cancer Syndrome. Identifiers: Orphanet 140162, MedGen C0027672, MeSH D009386, MONDO:0015356.
Ataxia-telangiectasia syndrome (AT). Also called: Ataxia telangiectasia (A-T); LOUIS-BAR SYNDROME; Cerebello-oculocutaneous telangiectasia; Immunodeficiency with ataxia telangiectasia; Ataxia-telangiectasia, complementation group D; AT, COMPLEMENTATION GROUP C. Identifiers: Orphanet 100, MedGen C0004135, MONDO:0008840, OMIM 208900.
Familial cancer of breast. Also called: Hereditary breast cancer; hereditary breast carcinoma; BREAST CANCER, FAMILIAL. Identifiers: Orphanet 227535, MedGen C0346153, MONDO:0016419, OMIM 114480. Disease mechanism: loss of function.

Allele frequency attached by ClinVar (database versions not stated): gnomAD exomes below 0.00001; ExAC 0.00001.
gnomAD v4.1: 1 of 1,614,132 alleles (0.000062%); highest among the groups gnomAD compares: South Asian, 0.0011%; no homozygotes.

Submissions (3):

Labcorp Genetics (formerly Invitae), Labcorp
Classification: Likely benign for Ataxia-telangiectasia syndrome. Last evaluated: 2025-08-09. Review status: criteria provided, single submitter. Criteria: Invitae Variant Classification Sherloc (09022015). Collection method: clinical testing. Allele origin: germline.

Myriad Genetics, Inc.
Classification: Benign for Familial cancer of breast. Last evaluated: 2024-06-12. Review status: criteria provided, single submitter. Criteria: Myriad Autosomal Dominant, Autosomal Recessive and X-Linked Classification Criteria (2023). Collection method: clinical testing. Allele origin: unknown.
Comment: This variant is considered benign. This variant is a silent/synonymous amino acid change and it is not expected to impact splicing.

Ambry Genetics
Classification: Likely benign for Hereditary cancer-predisposing syndrome. Last evaluated: 2020-06-19. Review status: criteria provided, single submitter. Criteria: Ambry Variant Classification Scheme 2023. Collection method: clinical testing. Allele origin: germline.

NM_000051.4(ATM):c.6912G>A (p.Glu2304=)

Genes: ATM (ATM serine/threonine kinase; plus strand), C11orf65 (chromosome 11 open reading frame 65; minus strand). Cytogenetic location: 11q22.3.
Variant type: single nucleotide variant.
Coding change: c.6912G>A on transcript NM_000051.4 (MANE Select); coding-DNA position 6912, G replaced by A.
Protein change: p.Glu2304=; no amino-acid change (glutamic acid 2304 retained).
Molecular consequence: synonymous variant. On other transcripts: intron variant (2).
Genome position (GRCh38, 1-based): chr11:108,326,162, G>A. VCF-style: chr11-108326162-G-A. GRCh37 (hg19) VCF-style: chr11-108196889-G-A.
Other names: c.6912G>A, p.Glu2304= (NM_001351834.2); c.641-17091C>T (NM_001330368.2); c.*38+9058C>T (NM_001351110.2).
Identifiers: ClinVar variation 1756132 (VCV001756132.8), dbSNP rs771382172, ClinGen allele CA6266031.